The following is an entry in ClinVar:

NM_006206.6(PDGFRA):c.309_310delinsAA (p.Asn103_His104delinsLysAsn)

Gene: PDGFRA (platelet derived growth factor receptor alpha; plus strand). Cytogenetic location: 4q12.
Variant type: Indel.
Coding change: c.309_310delinsAA on transcript NM_006206.6 (MANE Select); coding-DNA positions 309 to 310, CC replaced by AA.
Protein change: p.Asn103_His104delinsLysAsn.
Molecular consequence: missense variant.
Genome position (GRCh38, 1-based): chr4:54,261,354-54,261,355, CC replaced by AA. VCF-style: chr4-54261354-CC-AA. GRCh37 (hg19) VCF-style: chr4-55127521-CC-AA.
Other names: c.309_310delinsAA, p.Asn103_His104delinsLysAsn (NM_001347827.2, NM_001347829.2); c.384_385delinsAA, p.Asn128_His129delinsLysAsn (NM_001347828.2); c.348_349delinsAA, p.Asn116_His117delinsLysAsn (NM_001347830.2).
Identifiers: ClinVar variation 2677587 (VCV002677587.5), dbSNP rs2475423447, ClinGen allele CA2695199372.

ClinVar aggregate classification (germline): Uncertain significance. Review status: criteria provided, multiple submitters, no conflicts (2 of 4 stars). 3 submissions from 3 submitters: Uncertain significance (3). Last evaluated 2024-12-23.

Conditions:
Polyps, multiple and recurrent inflammatory fibroid, gastrointestinal. Identifiers: MedGen C5193005, MONDO:0008285, OMIM 175510.
Gastrointestinal stromal tumor. Also called: Gastrointestinal stromal tumor, somatic; Gastrointestinal stroma tumor. Identifiers: Orphanet 44890, MedGen C0238198, MeSH D046152, MONDO:0011719, OMIM 606764, HP:0100723.
Hereditary cancer-predisposing syndrome. Also called: Neoplastic Syndromes, Hereditary; Hereditary neoplastic syndrome; Tumor predisposition; Hereditary Cancer Syndrome. Identifiers: Orphanet 140162, MedGen C0027672, MeSH D009386, MONDO:0015356.

Submissions (3):

Ambry Genetics
Classification: Uncertain significance for Hereditary cancer-predisposing syndrome. Last evaluated: 2024-12-23. Review status: criteria provided, single submitter. Criteria: Ambry Variant Classification Scheme 2023. Collection method: clinical testing. Allele origin: germline.
Comment: The c.309_310delCCinsAA variant (also known as p.N103_H104delinsKN), located in coding exon 2 of the PDGFRA gene, results from an in-frame deletion of CC and insertion of AA at nucleotide positions 309 to 310. This results in the in-frame deletion 2 amino acids (NH) and insertion of 2 amino acids (KN) at codons 103 to 104. These amino acid positions are highly conserved in available vertebrate species. In addition, this alteration is predicted to be neutral by in silico analysis (Choi Y et al. PLoS ONE. 2012; 7(10):e46688). Based on the available evidence, the clinical significance of this variant remains unclear.

Baylor Genetics
Classification: Uncertain significance for Polyps, multiple and recurrent inflammatory fibroid, gastrointestinal. Last evaluated: 2023-07-21. Review status: criteria provided, single submitter. Criteria: ACMG Guidelines, 2015. Collection method: clinical testing. Allele origin: unknown.

Labcorp Genetics (formerly Invitae), Labcorp
Classification: Uncertain significance for Gastrointestinal stromal tumor. Last evaluated: 2023-04-12. Review status: criteria provided, single submitter. Criteria: Invitae Variant Classification Sherloc (09022015). Collection method: clinical testing. Allele origin: germline.
Comment: This variant, c.309_310delinsAA, is a complex sequence change that results in the deletion of 2 and insertion of 2 amino acid(s) in the PDGFRA protein (p.Asn103_His104delinsLysAsn). Information on the frequency of this variant in the gnomAD database is not available, as this variant may be reported differently in the database. In summary, the available evidence is currently insufficient to determine the role of this variant in disease. Therefore, it has been classified as a Variant of Uncertain Significance. Experimental studies and prediction algorithms are not available or were not evaluated, and the functional significance of this variant is currently unknown. This variant has not been reported in the literature in individuals affected with PDGFRA-related conditions.